The following is an entry in ClinVar:

ClinVar aggregate classification (germline): Benign. Review status: criteria provided, multiple submitters, no conflicts (2 of 4 stars). 9 submissions from 9 submitters: Benign (7). 2 of the submissions do not count toward it. Last evaluated 2026-02-04.

Conditions:
Emery-Dreifuss muscular dystrophy 5, autosomal dominant (EDMD5). Also called: EMERY-DREIFUSS MUSCULAR DYSTROPHY 5. Identifiers: Orphanet 261, MedGen C2751805, MONDO:0013072, OMIM 612999.

Allele frequency attached by ClinVar (database versions not stated): gnomAD exomes 0.44095; ExAC 0.47016; gnomAD 0.50384 and 0.50736; ESP Exome Variant Server 0.50846; TOPMed 0.51999; 1000 Genomes Project 0.58327; 1000 Genomes Project 30x 0.58339.
gnomAD v4.1: 655,531 of 1,607,706 alleles (41%); highest among the groups gnomAD compares: African/African-American, 76%; 141,801 homozygotes.

Submissions (9):

Labcorp Genetics (formerly Invitae), Labcorp
Classification: Benign for Emery-Dreifuss muscular dystrophy 5, autosomal dominant. Last evaluated: 2026-02-04. Review status: criteria provided, single submitter. Criteria: Invitae Variant Classification Sherloc (09022015). Collection method: clinical testing. Allele origin: germline.

Genome-Nilou Lab
Classification: Benign for Emery-Dreifuss muscular dystrophy 5, autosomal dominant. Last evaluated: 2021-07-15. Review status: criteria provided, single submitter. Criteria: ACMG Guidelines, 2015. Collection method: clinical testing. Allele origin: germline. Affected: no.

GeneDx
Classification: Benign. Last evaluated: 2018-07-09. Review status: criteria provided, single submitter. Criteria: GeneDx Variant Classification Process June 2021. Collection method: clinical testing. Allele origin: germline. Affected: yes.

Illumina Laboratory Services, Illumina
Classification: Benign for Emery-Dreifuss muscular dystrophy 5, autosomal dominant. Last evaluated: 2018-01-13. Review status: criteria provided, single submitter. Criteria: ICSL Variant Classification Criteria 13 December 2019. Collection method: clinical testing. Allele origin: germline.
Comment: This variant was observed in the ICSL laboratory as part of a predisposition screen in an ostensibly healthy population. It had not been previously curated by ICSL or reported in the Human Gene Mutation Database (HGMD: prior to June 1st, 2018), and was therefore a candidate for classification through an automated scoring system. Utilizing variant allele frequency, disease prevalence and penetrance estimates, and inheritance mode, an automated score was calculated to assess if this variant is too frequent to cause the disease. Based on the score and internal cut-off values, a variant classified as benign is not then subjected to further curation. The score for this variant resulted in a classification of benign for this disease.

Eurofins Ntd Llc (ga)
Classification: Benign. Last evaluated: 2015-09-18. Review status: criteria provided, single submitter. Criteria: EGL Classification Definitions 2015. Collection method: clinical testing. Allele origin: germline. Observed: 2 variant alleles, 1 heterozygote, 1 homozygote.

Genetic Services Laboratory, University of Chicago
Classification: Benign for AllHighlyPenetrant. Last evaluated: 2013-08-15. Review status: criteria provided, single submitter. Criteria: ACMG Guidelines, 2007. Collection method: clinical testing. Allele origin: germline. Inheritance: Autosomal dominant inheritance.

Breakthrough Genomics
Classification: Benign. Review status: criteria provided, single submitter. Criteria: ACMG Guidelines, 2015. Collection method: not provided. Allele origin: germline. Inheritance: Autosomal dominant inheritance. Affected: yes.

Clinical Genetics, Academic Medical Center
Classification: Benign. Review status: no assertion criteria provided. Collection method: clinical testing. Allele origin: germline. Affected: yes. Study: VKGL Data-share Consensus. Not counted in ClinVar's aggregate classification.

Diagnostic Laboratory, Department of Genetics, University Medical Center Groningen
Classification: Benign for Emery-Dreifuss muscular dystrophy 5, autosomal dominant. Review status: no assertion criteria provided. Collection method: clinical testing. Allele origin: germline. Affected: yes. Study: VKGL Data-share Consensus. Not counted in ClinVar's aggregate classification.

NM_182914.3(SYNE2):c.19333+5C>T

Gene: SYNE2 (spectrin repeat containing nuclear envelope protein 2; plus strand). Cytogenetic location: 14q23.2.
Variant type: single nucleotide variant.
Coding change: c.19333+5C>T on transcript NM_182914.3 (MANE Select); 5 bases into the intron after coding-DNA position 19333, C replaced by T.
Molecular consequence: intron variant.
Genome position (GRCh38, 1-based): chr14:64,214,475, C>T. VCF-style: chr14-64214475-C-T. GRCh37 (hg19) VCF-style: chr14-64681193-C-T.
Other names: c.19333+5C>T (NM_015180.6); c.235+5C>T (NM_182913.4).
Identifiers: ClinVar variation 130489 (VCV000130489.28), dbSNP rs1152590, ClinGen allele CA155564.